The following is an entry in ClinVar:

ClinVar aggregate classification (germline): Uncertain significance (1 of 4 stars; one submission).

Conditions:
Cardiovascular phenotype. Identifiers: MedGen CN230736.

Submission:

Ambry Genetics
Classification: Uncertain significance for Cardiovascular phenotype. Last evaluated: 2026-07-01. Review status: criteria provided, single submitter. Criteria: Ambry Variant Classification Scheme 2023. Collection method: clinical testing. Allele origin: germline.
Comment: The p.N4086I variant (also known as c.12257A>T), located in coding exon 29 of the APOB gene, results from an A to T substitution at nucleotide position 12257. The asparagine at codon 4086 is replaced by isoleucine, an amino acid with dissimilar properties. This amino acid position is conserved. In addition, this alteration is predicted to be tolerated by in silico analysis. Based on the available evidence, the clinical significance of this variant remains unclear.

NM_000384.3(APOB):c.12257A>T (p.Asn4086Ile)

Gene: APOB (apolipoprotein B; minus strand). Cytogenetic location: 2p24.1.
Variant type: single nucleotide variant.
Coding change: c.12257A>T on transcript NM_000384.3 (MANE Select); coding-DNA position 12257, A replaced by T.
Protein change: p.Asn4086Ile; replaces asparagine 4086 with isoleucine.
Molecular consequence: missense variant.
Genome position (GRCh38, 1-based): chr2:21,003,165, T>A on the plus strand (A>T on the coding strand, the complement: APOB is on the minus strand). VCF-style: chr2-21003165-T-A. GRCh37 (hg19) VCF-style: chr2-21226037-T-A.
Other names: short protein forms N4086I.
Identifiers: ClinVar variation 5027017 (VCV005027017.1).
Genomic context (GRCh38, chr2:21,003,165, plus strand): 5'-CTTCTCAGCTTTGAAGACACTTCTCTCAGGGTGAGCCCTGTGTGTTCCCAGTGGTACTTG[T>A]TGACATAATCATAAAGGACCCCTGTGGCCTTGGGCACGTTGTCTTTCAGAGAGGTTAGCA-3'
Protein context (NP_000375.3, residues 4076-4096): KATGVLYDYV[Asn4086Ile]KYHWEHTGLT